The following is an entry in ClinVar:

NM_001122681.2(SH3BP2):c.628C>T (p.Pro210Ser)

Gene: SH3BP2 (SH3 domain binding protein 2; plus strand). Cytogenetic location: 4p16.3.
Variant type: single nucleotide variant.
Coding change: c.628C>T on transcript NM_001122681.2 (MANE Select); coding-DNA position 628, C replaced by T.
Protein change: p.Pro210Ser; replaces proline 210 with serine.
Molecular consequence: missense variant.
Genome position (GRCh38, 1-based): chr4:2,829,534, C>T. VCF-style: chr4-2829534-C-T. GRCh37 (hg19) VCF-style: chr4-2831261-C-T.
Other names: c.712C>T, p.Pro238Ser (NM_001145855.2); c.799C>T, p.Pro267Ser (NM_001145856.2); c.628C>T, p.Pro210Ser (NM_003023.4); short protein forms P210S, P238S, P267S.
Identifiers: ClinVar variation 1511972 (VCV001511972.9), dbSNP rs777085450, ClinGen allele CA2819280.

ClinVar aggregate classification (germline): Uncertain significance. Review status: criteria provided, multiple submitters, no conflicts (2 of 4 stars). 2 submissions from 2 submitters: Uncertain significance (2). Last evaluated 2025-08-20.

Conditions:
Inborn genetic diseases. Identifiers: MedGen C0950123, MeSH D030342.
Fibrous dysplasia of jaw (CRBM). Also called: Cherubism. Identifiers: Orphanet 184, MedGen C0008029, MONDO:0007315, OMIM 118400.

Allele frequency attached by ClinVar (database versions not stated): gnomAD exomes 0.00003 and 0.00010; TOPMed 0.00006; ExAC 0.00011.
gnomAD v4.1: 39 of 1,613,592 alleles (0.0024%); highest among the groups gnomAD compares: Admixed American, 0.045%; no homozygotes.

Submissions (2):

Ambry Genetics
Classification: Uncertain significance for Inborn genetic diseases. Last evaluated: 2025-08-20. Review status: criteria provided, single submitter. Criteria: Ambry Variant Classification Scheme 2023. Collection method: clinical testing. Allele origin: germline.

Labcorp Genetics (formerly Invitae), Labcorp
Classification: Uncertain significance for Fibrous dysplasia of jaw. Last evaluated: 2024-02-06. Review status: criteria provided, single submitter. Criteria: Invitae Variant Classification Sherloc (09022015). Collection method: clinical testing. Allele origin: germline.
Comment: This sequence change replaces proline, which is neutral and non-polar, with serine, which is neutral and polar, at codon 210 of the SH3BP2 protein (p.Pro210Ser). This variant is present in population databases (rs777085450, gnomAD 0.07%), and has an allele count higher than expected for a pathogenic variant. This variant has not been reported in the literature in individuals affected with SH3BP2-related conditions. ClinVar contains an entry for this variant (Variation ID: 1511972). Advanced modeling of protein sequence and biophysical properties (such as structural, functional, and spatial information, amino acid conservation, physicochemical variation, residue mobility, and thermodynamic stability) has been performed at Invitae for this missense variant, however the output from this modeling did not meet the statistical confidence thresholds required to predict the impact of this variant on SH3BP2 protein function. In summary, the available evidence is currently insufficient to determine the role of this variant in disease. Therefore, it has been classified as a Variant of Uncertain Significance.